The following is an entry in ClinVar:

NM_001042492.3(NF1):c.7897dup (p.Glu2633fs)

Gene: NF1 (neurofibromin 1; plus strand). Cytogenetic location: 17q11.2.
Variant type: Duplication.
Coding change: c.7897dup on transcript NM_001042492.3 (MANE Select); coding-DNA position 7897, one base duplicated (G; older notation c.7897dupG).
Protein change: p.Glu2633fs; shifts the reading frame from glutamic acid 2633.
Molecular consequence: frameshift variant.
Genome position (GRCh38, 1-based): chr17:31,357,296, G duplicated. VCF-style (leftmost placement, unchanged base first): chr17-31357295-T-TG. GRCh37 (hg19) VCF-style: chr17-29684313-T-TG.
Other names: c.7834dup, p.Glu2612Glyfs (NM_000267.4); short protein forms E2612fs, E2633fs.
Identifiers: ClinVar variation 1073171 (VCV001073171.5), dbSNP rs2151583236, ClinGen allele CA2499224246.

ClinVar aggregate classification (germline): Pathogenic (1 of 4 stars; one submission).

Conditions:
Neurofibromatosis, type 1 (NF1). Also called: VON RECKLINGHAUSEN DISEASE; Peripheral type neurofibromatosis; NEUROFIBROMATOSIS, TYPE I, SOMATIC; Neurofibromatosis, type I. Identifiers: Orphanet 636, MedGen C0027831, MONDO:0018975, OMIM 162200. Disease mechanism: loss of function.

Submission:

Labcorp Genetics (formerly Invitae), Labcorp
Classification: Pathogenic for Neurofibromatosis, type 1. Last evaluated: 2020-07-07. Review status: criteria provided, single submitter. Criteria: Invitae Variant Classification Sherloc (09022015). Collection method: clinical testing. Allele origin: germline.
Comment: For these reasons, this variant has been classified as Pathogenic. Loss-of-function variants in NF1 are known to be pathogenic (PMID: 10712197, 23913538). This variant has not been reported in the literature in individuals with NF1-related conditions. This variant is not present in population databases (ExAC no frequency). This sequence change creates a premature translational stop signal (p.Glu2612Glyfs*3) in the NF1 gene. It is expected to result in an absent or disrupted protein product.

Literature cited by the submitters: PubMed 10712197; PubMed 23913538.